The following is an entry in ClinVar:

ClinVar aggregate classification (germline): Uncertain significance. Review status: criteria provided, multiple submitters, no conflicts (2 of 4 stars). 2 submissions from 2 submitters: Uncertain significance (2). Last evaluated 2025-07-02.

Conditions:
Inborn genetic diseases. Identifiers: MedGen C0950123, MeSH D030342.

Allele frequency attached by ClinVar (database versions not stated): gnomAD 0.00003 and 0.00005; TOPMed 0.00005; ESP Exome Variant Server 0.00008; 1000 Genomes Project 30x 0.00031; 1000 Genomes Project 0.00040.
gnomAD v4.1: 59 of 1,609,478 alleles (0.0037%); highest among the groups gnomAD compares: South Asian, 0.034%; no homozygotes.

Submissions (2):

Ambry Genetics
Classification: Uncertain significance for Inborn genetic diseases. Last evaluated: 2025-07-02. Review status: criteria provided, single submitter. Criteria: Ambry Variant Classification Scheme 2023. Collection method: clinical testing. Allele origin: germline.

Labcorp Genetics (formerly Invitae), Labcorp
Classification: Uncertain significance. Last evaluated: 2022-08-05. Review status: criteria provided, single submitter. Criteria: Invitae Variant Classification Sherloc (09022015). Collection method: clinical testing. Allele origin: germline.
Comment: This sequence change replaces arginine, which is basic and polar, with cysteine, which is neutral and slightly polar, at codon 499 of the PLAA protein (p.Arg499Cys). This variant is present in population databases (rs145325113, gnomAD 0.03%). This variant has not been reported in the literature in individuals affected with PLAA-related conditions. ClinVar contains an entry for this variant (Variation ID: 1398509). Algorithms developed to predict the effect of missense changes on protein structure and function are either unavailable or do not agree on the potential impact of this missense change (SIFT: "Tolerated"; PolyPhen-2: "Possibly Damaging"; Align-GVGD: "Class C0"). In summary, the available evidence is currently insufficient to determine the role of this variant in disease. Therefore, it has been classified as a Variant of Uncertain Significance.

NM_001031689.3(PLAA):c.1495C>T (p.Arg499Cys)

Gene: PLAA (phospholipase A2 activating protein; minus strand). Cytogenetic location: 9p21.2.
Variant type: single nucleotide variant.
Coding change: c.1495C>T on transcript NM_001031689.3 (MANE Select); coding-DNA position 1495, C replaced by T.
Protein change: p.Arg499Cys; replaces arginine 499 with cysteine.
Molecular consequence: missense variant.
Genome position (GRCh38, 1-based): chr9:26,913,939, G>A on the plus strand (C>T on the coding strand, the complement: PLAA is on the minus strand). VCF-style: chr9-26913939-G-A. GRCh37 (hg19) VCF-style: chr9-26913937-G-A.
Other names: c.1495C>T (NM_001031689.2); c.1426C>T, p.Arg476Cys (NM_001321546.2); short protein forms R499C, R476C.
Identifiers: ClinVar variation 1398509 (VCV001398509.6), dbSNP rs145325113, ClinGen allele CA5014329.